The following is an entry in ClinVar:

ClinVar aggregate classification (germline): Likely benign. Review status: criteria provided, multiple submitters, no conflicts (2 of 4 stars). 3 submissions from 3 submitters: Likely benign (3). Last evaluated 2025-10-29.

Conditions:
Neuropathy, hereditary sensory, type 2C. Also called: Hereditary sensory and autonomic neuropathy type IIC; KIF1A-Related HSAN2 (HSAN2C). Identifiers: Orphanet 970, MedGen C3280168, MONDO:0013634, OMIM 614213.
Intellectual disability, autosomal dominant 9 (NESCAVS). Also called: NESCAV SYNDROME; KIF1A-Related Neurodevelopmental Disorder. Identifiers: Orphanet 662367, MedGen C5393830, MONDO:0013656, OMIM 614255.
Hereditary spastic paraplegia 30. Identifiers: Orphanet 101010, MedGen C5235139, MONDO:0012476.

Allele frequency attached by ClinVar (database versions not stated): gnomAD exomes 0.00002; TOPMed 0.00003; ExAC 0.00007.
gnomAD v4.1: 7 of 1,563,662 alleles (0.00045%); highest among the groups gnomAD compares: East Asian, 0.012%; no homozygotes.

Submissions (3):

Labcorp Genetics (formerly Invitae), Labcorp
Classification: Likely benign for Hereditary spastic paraplegia 30; Neuropathy, hereditary sensory, type 2C; Intellectual disability, autosomal dominant 9. Last evaluated: 2025-10-29. Review status: criteria provided, single submitter. Criteria: Invitae Variant Classification Sherloc (09022015). Collection method: clinical testing. Allele origin: germline.

Blueprint Genetics
Classification: Likely benign. Last evaluated: 2022-10-12. Review status: criteria provided, single submitter. Criteria: ACMG Guidelines, 2015. Collection method: clinical testing. Allele origin: germline.

GeneDx
Classification: Likely benign. Last evaluated: 2016-09-08. Review status: criteria provided, single submitter. Criteria: GeneDx Variant Classification (06012015). Collection method: clinical testing. Allele origin: germline. Affected: yes.
Comment: This variant is considered likely benign or benign based on one or more of the following criteria: it is a conservative change, it occurs at a poorly conserved position in the protein, it is predicted to be benign by multiple in silico algorithms, and/or has population frequency not consistent with disease.

NM_001244008.2(KIF1A):c.1769-9G>C

Gene: KIF1A (kinesin family member 1A; minus strand). Cytogenetic location: 2q37.3.
Variant type: single nucleotide variant.
Coding change: c.1769-9G>C on transcript NM_001244008.2 (MANE Select); 9 bases into the intron before coding-DNA position 1769, G replaced by C.
Molecular consequence: intron variant.
Genome position (GRCh38, 1-based): chr2:240,763,355, C>G on the plus strand (G>C on the coding strand, the complement: KIF1A is on the minus strand). VCF-style: chr2-240763355-C-G. GRCh37 (hg19) VCF-style: chr2-241702772-C-G.
Other names: c.1742-9G>C (NM_001379653.1, NM_001379650.1, NM_001379645.1 and 10 more transcripts); c.1844-9G>C (NM_001379635.1, NM_001330290.2, NM_001379646.1 and 2 more transcripts); c.1817-9G>C (NM_001379637.1, NM_001379648.1); c.1769-9G>C (NM_001320705.2, NM_001379638.1, NM_001330289.2).
Identifiers: ClinVar variation 380406 (VCV000380406.10), dbSNP rs756408004, ClinGen allele CA2208270.
Genomic context (GRCh38, chr2:240,763,355, plus strand): 5'-TCGGGGTGGTTGAACCGGAACACATGGCTCTTACCCATGATGATGCGGTTTCCTGGGGAA[C>G]AGAGGGACAGGTGGCCTTGAGGGATGGGGATCTTCAGGTCCCTGATGGTCTCAAGCGGGG-3'